The following is an entry in ClinVar:

ClinVar aggregate classification (germline): Likely benign (0 of 4 stars; one submission).

Conditions:
ESPL1-related disorder. Also called: ESPL1-related condition.

Allele frequency attached by ClinVar (database versions not stated): gnomAD exomes 0.00006; TOPMed 0.00007; ExAC 0.00014; gnomAD 0.00019; 1000 Genomes Project 30x 0.00187; 1000 Genomes Project 0.00220.
gnomAD v4.1: 124 of 1,613,668 alleles (0.0077%); highest among the groups gnomAD compares: East Asian, 0.1%; 1 homozygote.

Submission:

PreventionGenetics, part of Exact Sciences
Classification: Likely benign for ESPL1-related condition. Last evaluated: 2019-12-02. Review status: no assertion criteria provided. Collection method: clinical testing. Allele origin: germline.
Comment: This variant is classified as likely benign based on ACMG/AMP sequence variant interpretation guidelines (Richards et al. 2015 PMID: 25741868, with internal and published modifications).

NM_012291.5(ESPL1):c.4314C>T (p.Ala1438=)

Gene: ESPL1 (extra spindle pole bodies like 1, separase; plus strand). Cytogenetic location: 12q13.13.
Variant type: single nucleotide variant.
Coding change: c.4314C>T on transcript NM_012291.5 (MANE Select); coding-DNA position 4314, C replaced by T.
Protein change: p.Ala1438=; no amino-acid change (alanine 1438 retained).
Molecular consequence: synonymous variant.
Genome position (GRCh38, 1-based): chr12:53,288,109, C>T. VCF-style: chr12-53288109-C-T. GRCh37 (hg19) VCF-style: chr12-53681893-C-T.
Identifiers: ClinVar variation 3048978 (VCV003048978.2), dbSNP rs192407973, ClinGen allele CA6597641.